The following is an entry in ClinVar:

ClinVar aggregate classification (germline): Uncertain significance (1 of 4 stars; one submission).

Conditions:
Epileptic encephalopathy. Identifiers: MedGen C0543888, HP:0200134.

Submission:

Labcorp Genetics (formerly Invitae), Labcorp
Classification: Uncertain significance for Epileptic encephalopathy. Last evaluated: 2024-04-22. Review status: criteria provided, single submitter. Criteria: Invitae Variant Classification Sherloc (09022015). Collection method: clinical testing. Allele origin: germline.
Comment: This sequence change replaces serine, which is neutral and polar, with threonine, which is neutral and polar, at codon 867 of the FASN protein (p.Ser867Thr). This variant is not present in population databases (gnomAD no frequency). This variant has not been reported in the literature in individuals affected with FASN-related conditions. ClinVar contains an entry for this variant (Variation ID: 2007497). An algorithm developed to predict the effect of missense changes on protein structure and function (PolyPhen-2) suggests that this variant is likely to be tolerated. In summary, the available evidence is currently insufficient to determine the role of this variant in disease. Therefore, it has been classified as a Variant of Uncertain Significance.

NM_004104.5(FASN):c.2600G>C (p.Ser867Thr)

Gene: FASN (fatty acid synthase; minus strand). Cytogenetic location: 17q25.3.
Variant type: single nucleotide variant.
Coding change: c.2600G>C on transcript NM_004104.5 (MANE Select); coding-DNA position 2600, G replaced by C.
Protein change: p.Ser867Thr; replaces serine 867 with threonine.
Molecular consequence: missense variant.
Genome position (GRCh38, 1-based): chr17:82,088,301, C>G on the plus strand (G>C on the coding strand, the complement: FASN is on the minus strand). VCF-style: chr17-82088301-C-G. GRCh37 (hg19) VCF-style: chr17-80046177-C-G.
Other names: short protein forms S867T.
Identifiers: ClinVar variation 2007497 (VCV002007497.4), dbSNP rs2509838517, ClinGen allele CA401556949.